The following is an entry in ClinVar:

ClinVar aggregate classification (germline): Likely benign. Review status: criteria provided, multiple submitters, no conflicts (2 of 4 stars). 3 submissions from 3 submitters: Likely benign (2). 1 of the submissions does not count toward it. Last evaluated 2025-12-24.

Conditions:
PYCR1-related disorder. Also called: PYCR1-related condition.

Allele frequency attached by ClinVar (database versions not stated): gnomAD 0.00010; gnomAD exomes 0.00013 and 0.00043; TOPMed 0.00020; ExAC 0.00042.

Submissions (3):

Labcorp Genetics (formerly Invitae), Labcorp
Classification: Likely benign. Last evaluated: 2025-12-24. Review status: criteria provided, single submitter. Criteria: Invitae Variant Classification Sherloc (09022015). Collection method: clinical testing. Allele origin: germline.

GeneDx
Classification: Likely benign. Last evaluated: 2021-01-21. Review status: criteria provided, single submitter. Criteria: GeneDx Variant Classification Process June 2021. Collection method: clinical testing. Allele origin: germline. Affected: yes.
Comment: Has not been previously published as pathogenic or benign to our knowledge

PreventionGenetics, part of Exact Sciences
Classification: Likely benign for PYCR1-related condition. Last evaluated: 2023-05-03. Review status: no assertion criteria provided. Collection method: clinical testing. Allele origin: germline. Not counted in ClinVar's aggregate classification.
Comment: This variant is classified as likely benign based on ACMG/AMP sequence variant interpretation guidelines (Richards et al. 2015 PMID: 25741868, with internal and published modifications).

NM_006907.4(PYCR1):c.335G>A (p.Arg112Gln)

Gene: PYCR1 (pyrroline-5-carboxylate reductase 1; minus strand). Cytogenetic location: 17q25.3.
Variant type: single nucleotide variant.
Coding change: c.335G>A on transcript NM_006907.4 (MANE Select); coding-DNA position 335, G replaced by A.
Protein change: p.Arg112Gln; replaces arginine 112 with glutamine.
Molecular consequence: missense variant.
Genome position (GRCh38, 1-based): chr17:81,935,131, C>T on the plus strand (G>A on the coding strand, the complement: PYCR1 is on the minus strand). VCF-style: chr17-81935131-C-T. GRCh37 (hg19) VCF-style: chr17-79893007-C-T.
Other names: c.335G>A, p.Arg112Gln (NM_001282279.2, NM_001282280.2, NM_001330523.2 and 1 more transcripts); c.416G>A, p.Arg139Gln (NM_001282281.2); short protein forms R112Q, R139Q.
Identifiers: ClinVar variation 723223 (VCV000723223.12), dbSNP rs201517468, ClinGen allele CA8845465.